The following is an entry in ClinVar:

NM_198576.4(AGRN):c.2950G>A (p.Val984Met)

Gene: AGRN (agrin; plus strand). Cytogenetic location: 1p36.33.
Variant type: single nucleotide variant.
Coding change: c.2950G>A on transcript NM_198576.4 (MANE Select); coding-DNA position 2950, G replaced by A.
Protein change: p.Val984Met; replaces valine 984 with methionine.
Molecular consequence: missense variant.
Genome position (GRCh38, 1-based): chr1:1,046,435, G>A. VCF-style: chr1-1046435-G-A. GRCh37 (hg19) VCF-style: chr1-981815-G-A.
Other names: c.2950G>A, p.Val984Met (NM_001305275.2); c.2635G>A, p.Val879Met (NM_001364727.2); short protein forms V984M, V879M.
Identifiers: ClinVar variation 541165 (VCV000541165.10), dbSNP rs371483148, ClinGen allele CA508894.

ClinVar aggregate classification (germline): Uncertain significance. Review status: criteria provided, multiple submitters, no conflicts (2 of 4 stars). 2 submissions from 2 submitters: Uncertain significance (2). Last evaluated 2025-04-16.

Conditions:
Congenital myasthenic syndrome 8. Also called: MYASTHENIC SYNDROME, CONGENITAL, DUE TO AGRIN DEFICIENCY; Myasthenic syndrome, congenital, 8, with pre- and postsynaptic defects. Identifiers: Orphanet 590, MedGen C3808739, MONDO:0014052, OMIM 615120.
Inborn genetic diseases. Identifiers: MedGen C0950123, MeSH D030342.

Allele frequency attached by ClinVar (database versions not stated): ExAC 0.00013; gnomAD 0.00020 and 0.00022; gnomAD exomes 0.00004 and 0.00012; TOPMed 0.00025; ESP Exome Variant Server 0.00008; 1000 Genomes Project 0.00020; 1000 Genomes Project 30x 0.00031.
gnomAD v4.1: 93 of 1,612,308 alleles (0.0058%); highest among the groups gnomAD compares: Middle Eastern, 0.05%; no homozygotes.

Submissions (2):

Ambry Genetics
Classification: Uncertain significance for Inborn genetic diseases. Last evaluated: 2025-04-16. Review status: criteria provided, single submitter. Criteria: Ambry Variant Classification Scheme 2023. Collection method: clinical testing. Allele origin: germline.

Labcorp Genetics (formerly Invitae), Labcorp
Classification: Uncertain significance for Congenital myasthenic syndrome 8. Last evaluated: 2022-08-16. Review status: criteria provided, single submitter. Criteria: Invitae Variant Classification Sherloc (09022015). Collection method: clinical testing. Allele origin: germline.
Comment: This sequence change replaces valine, which is neutral and non-polar, with methionine, which is neutral and non-polar, at codon 984 of the AGRN protein (p.Val984Met). This variant is present in population databases (rs371483148, gnomAD 0.07%). This variant has not been reported in the literature in individuals affected with AGRN-related conditions. ClinVar contains an entry for this variant (Variation ID: 541165). Algorithms developed to predict the effect of missense changes on protein structure and function are either unavailable or do not agree on the potential impact of this missense change (SIFT: "Tolerated"; PolyPhen-2: "Possibly Damaging"; Align-GVGD: "Class C0"). In summary, the available evidence is currently insufficient to determine the role of this variant in disease. Therefore, it has been classified as a Variant of Uncertain Significance.